The following is an entry in ClinVar:

ClinVar aggregate classification (germline): Uncertain significance. Review status: criteria provided, single submitter (1 of 4 stars). 2 submissions from 2 submitters: Uncertain significance (1). 1 of the submissions does not count toward it. Last evaluated 2022-01-03.

Conditions:
X-linked Alport syndrome (ATS1). Also called: NEPHROPATHY AND DEAFNESS, X-LINKED; COL4A5-Related Nephropathy. Identifiers: Orphanet 63, Orphanet 88917, MedGen C4746986, MONDO:0010520, OMIM 301050.

Submissions (2):

3billion
Classification: Uncertain significance for X-linked Alport syndrome. Last evaluated: 2022-01-03. Review status: criteria provided, single submitter. Criteria: ACMG Guidelines, 2015. Collection method: clinical testing. Allele origin: germline. Affected: yes. Observed: 1 hemizygote.
Comment: This is not observed in the gnomAD v2.1.1 dataset (PM2_M). Therefore, this variant is classified as uncertain significance according to the recommendation of ACMG/AMP guideline.

Natera, Inc.
Classification: Uncertain significance for X-linked Alport syndrome. Last evaluated: 2025-01-23. Review status: no assertion criteria provided. Collection method: clinical testing. Allele origin: germline. Not counted in ClinVar's aggregate classification.

NM_033380.3(COL4A5):c.864G>A (p.Lys288=)

Gene: COL4A5 (collagen type IV alpha 5 chain; plus strand). Cytogenetic location: Xq22.3.
Variant type: single nucleotide variant.
Coding change: c.864G>A on transcript NM_033380.3 (MANE Select); coding-DNA position 864, G replaced by A.
Protein change: p.Lys288=; no amino-acid change (lysine 288 retained).
Molecular consequence: synonymous variant.
Genome position (GRCh38, 1-based): chrX:108,580,711, G>A. VCF-style: chrX-108580711-G-A. GRCh37 (hg19) VCF-style: chrX-107823941-G-A.
Other names: c.864G>A, p.Lys288= (NM_000495.5).
Identifiers: ClinVar variation 1333481 (VCV001333481.2), dbSNP rs1263254683, ClinGen allele CA517991898.